The following is an entry in ClinVar:

ClinVar aggregate classification (germline): Pathogenic (1 of 4 stars; one submission).

Submission:

GeneDx
Classification: Pathogenic. Last evaluated: 2024-03-05. Review status: criteria provided, single submitter. Criteria: GeneDx Variant Classification Process June 2021. Collection method: clinical testing. Allele origin: germline. Affected: yes.
Comment: Nonsense variant in the C-terminus predicted to result in protein truncation, as the last 40 amino acids are lost, and other loss-of-function variants have been reported downstream in the Human Gene Mutation Database (HGMD); Not observed at significant frequency in large population cohorts (gnomAD); This variant is associated with the following publications: (PMID: 33057194, 34992632, 31785789, 35982159)

NM_003403.5(YY1):c.1123C>T (p.Arg375Ter)

Gene: YY1 (YY1 transcription factor; plus strand). Cytogenetic location: 14q32.2.
Variant type: single nucleotide variant.
Coding change: c.1123C>T on transcript NM_003403.5 (MANE Select); coding-DNA position 1123, C replaced by T.
Protein change: p.Arg375Ter; replaces arginine 375 with a stop codon.
Molecular consequence: nonsense.
Genome position (GRCh38, 1-based): chr14:100,277,478, C>T. VCF-style: chr14-100277478-C-T. GRCh37 (hg19) VCF-style: chr14-100743815-C-T.
Other names: short protein forms R375*.
Identifiers: ClinVar variation 3340625 (VCV003340625.1).
Genomic context (GRCh38, chr14:100,277,478, plus strand): 5'-TGCACGTTCGAAGGCTGTGGGAAACGCTTTTCACTGGACTTCAATTTGCGCACACATGTG[C>T]GAATCCATACCGGAGACAGGCCCTATGTGTGCCCCTTCGATGGTTGTAATAAGAAGTTTG-3'